The following is an entry in ClinVar:

ClinVar aggregate classification (germline): Uncertain significance. Review status: criteria provided, multiple submitters, no conflicts (2 of 4 stars). 2 submissions from 2 submitters: Uncertain significance (2). Last evaluated 2024-02-11.

Conditions:
Fanconi anemia (FA). Also called: Fanconi's anemia. Identifiers: Orphanet 84, MedGen C0015625, MeSH D005199, MONDO:0019391.
Fanconi anemia complementation group I (FANCI). Also called: FANCI-Related Fanconi Anemia. Identifiers: Orphanet 84, MedGen C1836861, MONDO:0012186, OMIM 609053.

Allele frequency attached by ClinVar (database versions not stated): gnomAD 0.00001; gnomAD exomes 0.00002.
gnomAD v4.1: 24 of 1,613,980 alleles (0.0015%); highest among the groups gnomAD compares: East Asian, 0.0022%; no homozygotes.

Submissions (2):

Labcorp Genetics (formerly Invitae), Labcorp
Classification: Uncertain significance for Fanconi anemia. Last evaluated: 2024-02-11. Review status: criteria provided, single submitter. Criteria: Invitae Variant Classification Sherloc (09022015). Collection method: clinical testing. Allele origin: germline.
Comment: This sequence change replaces histidine, which is basic and polar, with tyrosine, which is neutral and polar, at codon 98 of the FANCI protein (p.His98Tyr). This variant is present in population databases (no rsID available, gnomAD 0.06%). This variant has not been reported in the literature in individuals affected with FANCI-related conditions. ClinVar contains an entry for this variant (Variation ID: 317260). Advanced modeling of protein sequence and biophysical properties (such as structural, functional, and spatial information, amino acid conservation, physicochemical variation, residue mobility, and thermodynamic stability) performed at Invitae indicates that this missense variant is expected to disrupt FANCI protein function with a positive predictive value of 80%. In summary, the available evidence is currently insufficient to determine the role of this variant in disease. Therefore, it has been classified as a Variant of Uncertain Significance.

Illumina Laboratory Services, Illumina
Classification: Uncertain significance for Fanconi anemia complementation group I. Last evaluated: 2018-01-12. Review status: criteria provided, single submitter. Criteria: ICSL Variant Classification Criteria 13 December 2019. Collection method: clinical testing. Allele origin: germline.

NM_001113378.2(FANCI):c.292C>T (p.His98Tyr)

Gene: FANCI (FA complementation group I; plus strand). Cytogenetic location: 15q26.1.
Variant type: single nucleotide variant.
Coding change: c.292C>T on transcript NM_001113378.2 (MANE Select); coding-DNA position 292, C replaced by T.
Protein change: p.His98Tyr; replaces histidine 98 with tyrosine.
Molecular consequence: missense variant.
Genome position (GRCh38, 1-based): chr15:89,261,588, C>T. VCF-style: chr15-89261588-C-T. GRCh37 (hg19) VCF-style: chr15-89804819-C-T.
Other names: c.13C>T, p.His5Tyr (NM_001376910.1); c.292C>T, p.His98Tyr (NM_001376911.1, NM_018193.3); short protein forms H98Y, H5Y.
Identifiers: ClinVar variation 317260 (VCV000317260.13), dbSNP rs886051507, ClinGen allele CA10642642.